The following is an entry in ClinVar:

NM_001386795.1(DTNA):c.1729A>G (p.Met577Val)

Gene: DTNA (dystrobrevin alpha; plus strand). Cytogenetic location: 18q12.1.
Variant type: single nucleotide variant.
Coding change: c.1729A>G on transcript NM_001386795.1 (MANE Select); coding-DNA position 1729, A replaced by G.
Protein change: p.Met577Val; replaces methionine 577 with valine.
Molecular consequence: missense variant.
Genome position (GRCh38, 1-based): chr18:34,864,048, A>G. VCF-style: chr18-34864048-A-G. GRCh37 (hg19) VCF-style: chr18-32444012-A-G.
Other names: c.1465A>G, p.Met489Val (NM_001386769.1, NM_001386773.1, NM_001386774.1 and 1 more transcripts); c.1558A>G, p.Met520Val (NM_001386770.1, NM_001386754.1, NM_001386755.1 and 4 more transcripts); c.1468A>G, p.Met490Val (NM_001386771.1, NM_001386772.1, NM_001198938.2 and 9 more transcripts); c.1729A>G, p.Met577Val (NM_001386788.1); c.1648A>G, p.Met550Val (NM_001390.5, NM_001391.5); c.775A>G, p.Met259Val (NM_001198942.1); c.718A>G, p.Met240Val (NM_001198943.1); c.604A>G, p.Met202Val (NM_001198944.1); and 8 more; short protein forms M202V, M519V, M172V, M300V, M493V, M259V, M489V, M492V.
Identifiers: ClinVar variation 1505349 (VCV001505349.9), dbSNP rs370629863, ClinGen allele CA297793715.
Genomic context (GRCh38, chr18:34,864,048, plus strand): 5'-CAGAGAATGTCTGCTCTCCAGGAGAGCCGGAGAGAGCTAATGGTCCAGTTGGAGGGTCTC[A>G]TGAAGCTACTAAAGGTAAGACCTGCCAGATAAATTTTCCTGAGCTTATTTTCCATGTCAT-3'
Protein context (NP_001373724.1, residues 567-587): RELMVQLEGL[Met577Val]KLLKTQGAGS

ClinVar aggregate classification (germline): Uncertain significance. Review status: criteria provided, multiple submitters, no conflicts (2 of 4 stars). 2 submissions from 2 submitters: Uncertain significance (2). Last evaluated 2025-08-29.

Conditions:
Left ventricular noncompaction 1 (LVNC1). Also called: LEFT VENTRICULAR NONCOMPACTION 1 WITH OR WITHOUT CONGENITAL HEART DEFECTS. Identifiers: Orphanet 54260, MedGen C1858725, MONDO:0011403, OMIM 604169.

Allele frequency attached by ClinVar (database versions not stated): TOPMed below 0.00001; gnomAD exomes below 0.00001.
gnomAD v4.1: 5 of 1,609,780 alleles (0.00031%); highest among the groups gnomAD compares: East Asian, 0.0022%; no homozygotes.

Submissions (2):

Labcorp Genetics (formerly Invitae), Labcorp
Classification: Uncertain significance for Left ventricular noncompaction 1. Last evaluated: 2025-08-29. Review status: criteria provided, single submitter. Criteria: Invitae Variant Classification Sherloc (09022015). Collection method: clinical testing. Allele origin: germline.
Comment: This sequence change replaces methionine, which is neutral and non-polar, with valine, which is neutral and non-polar, at codon 550 of the DTNA protein (p.Met550Val). This variant is present in population databases (rs370629863, gnomAD 0.006%). This variant has not been reported in the literature in individuals affected with DTNA-related conditions. ClinVar contains an entry for this variant (Variation ID: 1505349). An algorithm developed to predict the effect of missense changes on protein structure and function (PolyPhen-2) suggests that this variant is likely to be disruptive. In summary, the available evidence is currently insufficient to determine the role of this variant in disease. Therefore, it has been classified as a Variant of Uncertain Significance.

Ambry Genetics
Classification: Uncertain significance. Last evaluated: 2024-02-05. Review status: criteria provided, single submitter. Criteria: Ambry Variant Classification Scheme 2023. Collection method: clinical testing. Allele origin: germline.